The following is an entry in ClinVar:

ClinVar aggregate classification (germline): Uncertain significance. Review status: criteria provided, single submitter (1 of 4 stars). 2 submissions from 2 submitters: Uncertain significance (1). 1 of the submissions does not count toward it. Last evaluated 2024-01-17.

Conditions:
Hereditary cancer-predisposing syndrome. Also called: Tumor predisposition; Hereditary neoplastic syndrome; Hereditary Cancer Syndrome; Neoplastic Syndromes, Hereditary. Identifiers: Orphanet 140162, MedGen C0027672, MeSH D009386, MONDO:0015356.
Bloom syndrome (BLM). Also called: Bloom-Torre-Machacek syndrome. Identifiers: Orphanet 125, MedGen C0005859, MONDO:0008876, OMIM 210900.

Submissions (2):

Ambry Genetics
Classification: Uncertain significance for Hereditary cancer-predisposing syndrome. Last evaluated: 2024-01-17. Review status: criteria provided, single submitter. Criteria: Ambry Variant Classification Scheme 2023. Collection method: clinical testing. Allele origin: germline.
Comment: The p.E1224V variant (also known as c.3671A>T), located in coding exon 18 of the BLM gene, results from an A to T substitution at nucleotide position 3671. The glutamic acid at codon 1224 is replaced by valine, an amino acid with dissimilar properties. This amino acid position is conserved. In addition, this alteration is predicted to be tolerated by in silico analysis. Based on the available evidence, the clinical significance of this alteration remains unclear.

Natera, Inc.
Classification: Uncertain significance for Bloom syndrome. Last evaluated: 2025-02-27. Review status: no assertion criteria provided. Collection method: clinical testing. Allele origin: germline. Not counted in ClinVar's aggregate classification.

NM_000057.4(BLM):c.3671A>T (p.Glu1224Val)

Gene: BLM (BLM RecQ like helicase; plus strand). Cytogenetic location: 15q26.1.
Variant type: single nucleotide variant.
Coding change: c.3671A>T on transcript NM_000057.4 (MANE Select); coding-DNA position 3671, A replaced by T.
Protein change: p.Glu1224Val; replaces glutamic acid 1224 with valine.
Molecular consequence: missense variant. On other transcripts: intron variant (1).
Genome position (GRCh38, 1-based): chr15:90,804,279, A>T. VCF-style: chr15-90804279-A-T. GRCh37 (hg19) VCF-style: chr15-91347509-A-T.
Other names: c.3671A>T, p.Glu1224Val (NM_001287246.2); c.2546A>T, p.Glu849Val (NM_001287248.2); c.3359-4858A>T (NM_001287247.2); c.3671A>T (NM_000057.3); short protein forms E1224V, E849V.
Identifiers: ClinVar variation 3224561 (VCV003224561.2), dbSNP rs1596268259, ClinGen allele CA393848132.